The following is an entry in ClinVar:

NM_006017.3(PROM1):c.43G>A (p.Gly15Arg)

Gene: PROM1 (prominin 1; minus strand). Cytogenetic location: 4p15.32.
Variant type: single nucleotide variant.
Coding change: c.43G>A on transcript NM_006017.3 (MANE Select); coding-DNA position 43, G replaced by A.
Protein change: p.Gly15Arg; replaces glycine 15 with arginine.
Molecular consequence: missense variant.
Genome position (GRCh38, 1-based): chr4:16,075,864, C>T on the plus strand (G>A on the coding strand, the complement: PROM1 is on the minus strand). VCF-style: chr4-16075864-C-T. GRCh37 (hg19) VCF-style: chr4-16077487-C-T.
Other names: c.43G>A, p.Gly15Arg (NM_001145847.2, NM_001145848.2, NM_001145849.2 and 6 more transcripts); short protein forms G15R.
Identifiers: ClinVar variation 1901064 (VCV001901064.5), dbSNP rs752868174, ClinGen allele CA2867198.

ClinVar aggregate classification (germline): Uncertain significance (1 of 4 stars; one submission).

Allele frequency attached by ClinVar (database versions not stated): gnomAD 0.00001; gnomAD exomes 0.00001; ExAC 0.00002; TOPMed 0.00002.
gnomAD v4.1: 23 of 1,613,362 alleles (0.0014%); highest among the groups gnomAD compares: Non-Finnish European, 0.0018%; no homozygotes.

Submission:

Labcorp Genetics (formerly Invitae), Labcorp
Classification: Uncertain significance. Last evaluated: 2022-03-27. Review status: criteria provided, single submitter. Criteria: Invitae Variant Classification Sherloc (09022015). Collection method: clinical testing. Allele origin: germline.
Comment: In summary, the available evidence is currently insufficient to determine the role of this variant in disease. Therefore, it has been classified as a Variant of Uncertain Significance. Algorithms developed to predict the effect of missense changes on protein structure and function output the following: SIFT: "Deleterious"; PolyPhen-2: "Not Available"; Align-GVGD: "Class C0". The arginine amino acid residue is found in multiple mammalian species, which suggests that this missense change does not adversely affect protein function. This variant has not been reported in the literature in individuals affected with PROM1-related conditions. This variant is present in population databases (rs752868174, gnomAD 0.003%). This sequence change replaces glycine, which is neutral and non-polar, with arginine, which is basic and polar, at codon 15 of the PROM1 protein (p.Gly15Arg).